The following is an entry in ClinVar:

ClinVar aggregate classification (germline): Uncertain significance (1 of 4 stars; one submission).

Conditions:
Hereditary cancer-predisposing syndrome. Also called: Tumor predisposition; Hereditary Cancer Syndrome; Neoplastic Syndromes, Hereditary; Hereditary neoplastic syndrome. Identifiers: Orphanet 140162, MedGen C0027672, MeSH D009386, MONDO:0015356.

Submission:

Ambry Genetics
Classification: Uncertain significance for Hereditary cancer-predisposing syndrome. Last evaluated: 2026-02-19. Review status: criteria provided, single submitter. Criteria: Ambry Variant Classification Scheme 2023. Collection method: clinical testing. Allele origin: germline.
Comment: The c.301+4dupA intronic variant, results from a duplication of two nucleotides at nucleotide position 301 after intron 4 of the BRCA1 gene. This nucleotide position is highly conserved in available vertebrate species. In silico splice site analysis predicts that this alteration will weaken the native splice donor site. Based on the available evidence, the clinical significance of this variant remains unclear.

NM_007294.4(BRCA1):c.301+4dup

Gene: BRCA1 (BRCA1 DNA repair associated; minus strand). Cytogenetic location: 17q21.31.
Variant type: Duplication.
Coding change: c.301+4dup on transcript NM_007294.4 (MANE Select); 4 bases into the intron after coding-DNA position 301, one base duplicated (A; older notation c.301+4dupA).
Molecular consequence: intron variant.
Genome position (GRCh38, 1-based): chr17:43,104,864, T duplicated on the plus strand (A on the coding strand, the reverse complement: BRCA1 is on the minus strand); the first of 2 consecutive T bases (chr17:43,104,864-43,104,865); duplicating either gives the same sequence. VCF-style (leftmost placement, unchanged base first): chr17-43104863-C-CT. GRCh37 (hg19) VCF-style: chr17-41256880-C-CT.
Other names: c.160+4dup (NM_001408458.1, NM_001407931.1, NM_001407747.1 and 99 more transcripts); c.-218-10004dup (NM_001407967.1, NM_001407966.1); c.-81+4dup (NM_001407959.1, NM_001407962.1, NM_001408512.1 and 4 more transcripts); c.91+4dup (NM_001407885.1, NM_001407886.1, NM_001407898.1 and 58 more transcripts); c.301+4dup (NM_001407686.1, NM_001408397.1, NM_001407632.1 and 164 more transcripts); c.301+4dupA (NM_007294.3); c.169+4dup (NM_001408451.1); c.223+4dup (NM_001408475.1, NM_001407875.1, NM_001407659.1 and 21 more transcripts); and 1 more.
Identifiers: ClinVar variation 481458 (VCV000481458.7), dbSNP rs1555596630, ClinGen allele CA658656665.